The following is an entry in ClinVar:

NM_000719.7(CACNA1C):c.108G>A (p.Ala36=)

Gene: CACNA1C (calcium voltage-gated channel subunit alpha1 C; plus strand). Cytogenetic location: 12p13.33.
Variant type: single nucleotide variant.
Coding change: c.108G>A on transcript NM_000719.7 (MANE Select); coding-DNA position 108, G replaced by A.
Protein change: p.Ala36=; no amino-acid change (alanine 36 retained).
Molecular consequence: synonymous variant.
Genome position (GRCh38, 1-based): chr12:2,115,282, G>A. VCF-style: chr12-2115282-G-A. GRCh37 (hg19) VCF-style: chr12-2224448-G-A.
Other names: c.108G>A, p.Ala36= (NM_001129827.2, NM_001129829.2, NM_001129830.3 and 19 more transcripts).
Identifiers: ClinVar variation 1234256 (VCV001234256.13), dbSNP rs781395450, ClinGen allele CA6388391.

ClinVar aggregate classification (germline): Benign/Likely benign. Review status: criteria provided, multiple submitters, no conflicts (2 of 4 stars). 4 submissions from 4 submitters: Benign (1); Likely benign (3). Last evaluated 2026-04-11.

Conditions:
Cardiovascular phenotype. Identifiers: MedGen CN230736.
CACNA1C-related disorder. Also called: CACNA1C-related condition; CACNA1C-related disorders. Identifiers: MedGen CN381092, MONDO:0700321.
Long QT syndrome (LQTS). Identifiers: MedGen C0023976, MeSH D008133, MONDO:0002442. Disease mechanism: loss of function. Inheritance: Various modes of inheritance.

Allele frequency attached by ClinVar (database versions not stated): ExAC below 0.00001; TOPMed below 0.00001; gnomAD 0.00001; gnomAD exomes 0.00003.
gnomAD v4.1: 20 of 1,590,004 alleles (0.0013%); highest among the groups gnomAD compares: East Asian, 0.0092%; no homozygotes.

Submissions (4):

Ambry Genetics
Classification: Likely benign for Cardiovascular phenotype. Last evaluated: 2026-04-11. Review status: criteria provided, single submitter. Criteria: Ambry Variant Classification Scheme 2023. Collection method: clinical testing. Allele origin: germline.

PreventionGenetics, part of Exact Sciences
Classification: Likely benign for CACNA1C-related condition. Last evaluated: 2026-02-06. Review status: criteria provided, single submitter. Criteria: ACMG Guidelines, 2015. Collection method: clinical testing. Allele origin: germline.
Comment: This variant is classified as likely benign based on ACMG/AMP sequence variant interpretation guidelines (Richards et al. 2015 PMID: 25741868, with internal and published modifications).

Labcorp Genetics (formerly Invitae), Labcorp
Classification: Likely benign for Long QT syndrome. Last evaluated: 2024-08-19. Review status: criteria provided, single submitter. Criteria: Invitae Variant Classification Sherloc (09022015). Collection method: clinical testing. Allele origin: germline.

GeneDx
Classification: Benign. Last evaluated: 2015-03-03. Review status: criteria provided, single submitter. Criteria: GeneDx Variant Classification Process June 2021. Collection method: clinical testing. Allele origin: germline. Affected: yes.